The following is an entry in ClinVar:

NM_000264.5(PTCH1):c.3008G>A (p.Ser1003Asn)

Gene: PTCH1 (patched 1; minus strand). Cytogenetic location: 9q22.32.
Variant type: single nucleotide variant.
Coding change: c.3008G>A on transcript NM_000264.5 (MANE Select); coding-DNA position 3008, G replaced by A.
Protein change: p.Ser1003Asn; replaces serine 1003 with asparagine.
Molecular consequence: missense variant. On other transcripts: non-coding transcript variant (1).
Genome position (GRCh38, 1-based): chr9:95,458,173, C>T on the plus strand (G>A on the coding strand, the complement: PTCH1 is on the minus strand). VCF-style: chr9-95458173-C-T. GRCh37 (hg19) VCF-style: chr9-98220455-C-T.
Other names: c.2810G>A, p.Ser937Asn (NM_001083602.3); c.3005G>A, p.Ser1002Asn (NM_001083603.3); c.2555G>A, p.Ser852Asn (NM_001083604.3, NM_001083605.3, NM_001083606.3 and 1 more transcripts); c.2852G>A, p.Ser951Asn (NM_001354918.2); short protein forms S937N, S1003N, S1002N, S852N, S951N.
Identifiers: ClinVar variation 524538 (VCV000524538.15), dbSNP rs769866360, ClinGen allele CA5138270.

ClinVar aggregate classification (germline): Conflicting classifications of pathogenicity. Review status: criteria provided, conflicting classifications (1 of 4 stars). 3 submissions from 3 submitters: Uncertain significance (2); Likely benign (1). Last evaluated 2025-11-24.

Conditions:
Hereditary cancer-predisposing syndrome. Also called: Neoplastic Syndromes, Hereditary; Tumor predisposition; Hereditary Cancer Syndrome; Hereditary neoplastic syndrome. Identifiers: Orphanet 140162, MedGen C0027672, MeSH D009386, MONDO:0015356.
Gorlin syndrome. Also called: Nevoid Basal Cell Carcinoma Syndrome; Basal cell nevus syndrome. Identifiers: Orphanet 377, MedGen C0004779, MONDO:0007187.

Allele frequency attached by ClinVar (database versions not stated): gnomAD exomes below 0.00001 and 0.00003; ExAC 0.00001; gnomAD 0.00001; TOPMed 0.00001.
gnomAD v4.1: 37 of 1,614,056 alleles (0.0023%); highest among the groups gnomAD compares: Non-Finnish European, 0.0031%; no homozygotes.

Submissions (3):

Labcorp Genetics (formerly Invitae), Labcorp
Classification: Likely benign for Gorlin syndrome. Last evaluated: 2025-11-24. Review status: criteria provided, single submitter. Criteria: Invitae Variant Classification Sherloc (09022015). Collection method: clinical testing. Allele origin: germline.

Ambry Genetics
Classification: Uncertain significance for Hereditary cancer-predisposing syndrome. Last evaluated: 2024-05-31. Review status: criteria provided, single submitter. Criteria: Ambry Variant Classification Scheme 2023. Collection method: clinical testing. Allele origin: germline.
Comment: The p.S1003N variant (also known as c.3008G>A), located in coding exon 18 of the PTCH1 gene, results from a G to A substitution at nucleotide position 3008. The serine at codon 1003 is replaced by asparagine, an amino acid with highly similar properties. This amino acid position is not well conserved in available vertebrate species. In addition, this alteration is predicted to be tolerated by in silico analysis. Since supporting evidence is limited at this time, the clinical significance of this alteration remains unclear.

GeneDx
Classification: Uncertain significance. Last evaluated: 2024-02-27. Review status: criteria provided, single submitter. Criteria: GeneDx Variant Classification Process June 2021. Collection method: clinical testing. Allele origin: germline. Affected: yes.
Comment: Not observed at significant frequency in large population cohorts (gnomAD); In silico analysis supports that this missense variant does not alter protein structure/function; Has not been previously published as pathogenic or benign to our knowledge; This variant is associated with the following publications: (PMID: 8906794)